The following is an entry in ClinVar:

NM_182746.3(MCM4):c.2365+4C>T

Gene: MCM4 (minichromosome maintenance complex component 4; plus strand). Cytogenetic location: 8q11.21.
Variant type: single nucleotide variant.
Coding change: c.2365+4C>T on transcript NM_182746.3 (MANE Select); 4 bases into the intron after coding-DNA position 2365, C replaced by T.
Molecular consequence: intron variant.
Genome position (GRCh38, 1-based): chr8:47,974,966, C>T. VCF-style: chr8-47974966-C-T. GRCh37 (hg19) VCF-style: chr8-48887526-C-T.
Other names: c.2365+4C>T (NM_005914.4).
Identifiers: ClinVar variation 713504 (VCV000713504.17), dbSNP rs17287739, ClinGen allele CA4742887.

ClinVar aggregate classification (germline): Benign/Likely benign. Review status: criteria provided, multiple submitters, no conflicts (2 of 4 stars). 4 submissions from 4 submitters: Benign (1); Likely benign (2). 1 of the submissions does not count toward it. Last evaluated 2026-01-06.

Conditions:
MCM4-related disorder. Also called: MCM4-related condition.
Primary immunodeficiency with natural-killer cell deficiency and adrenal insufficiency (IMD54). Also called: Natural killer cell and glucocorticoid deficiency with DNA repair defect; IMMUNODEFICIENCY 54. Identifiers: Orphanet 75391, MedGen C1864947, MONDO:0012383, OMIM 609981.

Allele frequency attached by ClinVar (database versions not stated): gnomAD exomes 0.00079; ExAC 0.00094; 1000 Genomes Project 0.00200; ESP Exome Variant Server 0.00208; TOPMed 0.00237; gnomAD 0.00277 and 0.00297; 1000 Genomes Project 30x 0.00281.

Submissions (4):

Labcorp Genetics (formerly Invitae), Labcorp
Classification: Likely benign. Last evaluated: 2026-01-06. Review status: criteria provided, single submitter. Criteria: Invitae Variant Classification Sherloc (09022015). Collection method: clinical testing. Allele origin: germline.

Blueprint Genetics
Classification: Likely benign. Last evaluated: 2024-09-04. Review status: criteria provided, single submitter. Criteria: ACMG Guidelines, 2015. Collection method: clinical testing. Allele origin: germline.

Illumina Laboratory Services, Illumina
Classification: Benign for Primary immunodeficiency with natural-killer cell deficiency and adrenal insufficiency. Last evaluated: 2017-04-27. Review status: criteria provided, single submitter. Criteria: ICSL Variant Classification Criteria 13 December 2019. Collection method: clinical testing. Allele origin: germline.
Comment: This variant was observed as part of a predisposition screen in an ostensibly healthy population. A literature search was performed for the gene, cDNA change, and amino acid change (where applicable). No publications were found based on this search. Allele frequency data from public databases was too high to be consistent with this variant causing disease. Therefore, this variant is classified as benign.

PreventionGenetics, part of Exact Sciences
Classification: Benign for MCM4-related condition. Last evaluated: 2019-07-10. Review status: no assertion criteria provided. Collection method: clinical testing. Allele origin: germline. Not counted in ClinVar's aggregate classification.
Comment: This variant is classified as benign based on ACMG/AMP sequence variant interpretation guidelines (Richards et al. 2015 PMID: 25741868, with internal and published modifications).